The following is an entry in ClinVar:

ClinVar aggregate classification (germline): Uncertain significance (1 of 4 stars; one submission).

Conditions:
Cardiovascular phenotype. Identifiers: MedGen CN230736.

Submission:

Ambry Genetics
Classification: Uncertain significance for Cardiovascular phenotype. Last evaluated: 2026-04-27. Review status: criteria provided, single submitter. Criteria: Ambry Variant Classification Scheme 2023. Collection method: clinical testing. Allele origin: germline.
Comment: The p.E1172K variant (also known as c.3514G>A), located in coding exon 20 of the SCN10A gene, results from a G to A substitution at nucleotide position 3514. The glutamic acid at codon 1172 is replaced by lysine, an amino acid with similar properties. This amino acid position is conserved. In addition, the in silico prediction for this alteration is inconclusive. Based on the available evidence, the clinical significance of this variant remains unclear.

NM_006514.4(SCN10A):c.3514G>A (p.Glu1172Lys)

Gene: SCN10A (sodium voltage-gated channel alpha subunit 10; minus strand). Cytogenetic location: 3p22.2.
Variant type: single nucleotide variant.
Coding change: c.3514G>A on transcript NM_006514.4 (MANE Select); coding-DNA position 3514, G replaced by A.
Protein change: p.Glu1172Lys; replaces glutamic acid 1172 with lysine.
Molecular consequence: missense variant.
Genome position (GRCh38, 1-based): chr3:38,718,820, C>T on the plus strand (G>A on the coding strand, the complement: SCN10A is on the minus strand). VCF-style: chr3-38718820-C-T. GRCh37 (hg19) VCF-style: chr3-38760311-C-T.
Other names: c.3511G>A, p.Glu1171Lys (NM_001293306.2); c.3220G>A, p.Glu1074Lys (NM_001293307.2); short protein forms E1074K, E1171K, E1172K.
Identifiers: ClinVar variation 4864102 (VCV004864102.1).
Genomic context (GRCh38, chr3:38,718,820, plus strand): 5'-CCCTGTCAGTGTACTCCAGCAAAGCTTTCACCGTGGGCTTCTGGTCCAGGTAATAGTCTT[C>T]AAAGGCCTGGAAGGAAGAAAGGATGCAGAATGGCAGGCTGCCTGGACCCACAGCACTGGG-3'
Protein context (NP_006505.4, residues 1162-1182): ILLSSGSLAF[Glu1172Lys]DYYLDQKPTV